The following is an entry in ClinVar:

ClinVar aggregate classification (germline): Uncertain significance (1 of 4 stars; one submission).

Conditions:
Developmental and epileptic encephalopathy. Identifiers: MedGen C5779964, MONDO:0100620.

Allele frequency attached by ClinVar (database versions not stated): TOPMed 0.00001; gnomAD exomes 0.00004; ExAC 0.00006.
gnomAD v4.1: 10 of 1,613,294 alleles (0.00062%); highest among the groups gnomAD compares: Admixed American, 0.017%; no homozygotes.

Submission:

Labcorp Genetics (formerly Invitae), Labcorp
Classification: Uncertain significance for Early-infantile DEE. Last evaluated: 2021-08-31. Review status: criteria provided, single submitter. Criteria: Invitae Variant Classification Sherloc (09022015). Collection method: clinical testing. Allele origin: germline.
Comment: This sequence change replaces arginine with threonine at codon 1081 of the CACNA2D2 protein (p.Arg1081Thr). The arginine residue is moderately conserved and there is a moderate physicochemical difference between arginine and threonine. This variant is present in population databases (rs775526117, ExAC 0.06%). This variant has not been reported in the literature in individuals affected with CACNA2D2-related conditions. Algorithms developed to predict the effect of missense changes on protein structure and function (SIFT, PolyPhen-2, Align-GVGD) all suggest that this variant is likely to be tolerated. In summary, the available evidence is currently insufficient to determine the role of this variant in disease. Therefore, it has been classified as a Variant of Uncertain Significance.

NM_006030.4(CACNA2D2):c.3242G>C (p.Arg1081Thr)

Genes: CACNA2D2 (calcium voltage-gated channel auxiliary subunit alpha2delta 2; minus strand), LOC127898564 (CYB561D2-LOC101928965; plus strand). Cytogenetic location: 3p21.31.
Variant type: single nucleotide variant.
Coding change: c.3242G>C on transcript NM_006030.4 (MANE Select); coding-DNA position 3242, G replaced by C.
Protein change: p.Arg1081Thr; replaces arginine 1081 with threonine.
Molecular consequence: missense variant.
Genome position (GRCh38, 1-based): chr3:50,364,937, C>G on the plus strand (G>C on the coding strand, the complement: CACNA2D2 is on the minus strand). VCF-style: chr3-50364937-C-G. GRCh37 (hg19) VCF-style: chr3-50402368-C-G.
Other names: c.3248G>C, p.Arg1083Thr (NM_001005505.3); c.3263G>C, p.Arg1088Thr (NM_001174051.3); c.3041G>C, p.Arg1014Thr (NM_001291101.1); short protein forms R1014T, R1083T, R1088T, R1081T.
Identifiers: ClinVar variation 842913 (VCV000842913.5), dbSNP rs775526117, ClinGen allele CA2418150.
Genomic context (GRCh38, chr3:50,364,937, plus strand): 5'-CCTCTCCTCACTGTCGCGTTGTAGTCGAAGCAGATGTGCGGGCCTCTCCGGTATCGCGGT[C>G]TCTGCACTAGCTCACACTGCTCCGGGCCGTCCGCTGGGCATGGGTGGGGAGTCAAGGAGG-3'
Protein context (NP_006021.2, residues 1071-1091): DGPEQCELVQ[Arg1081Thr]PRYRRGPHIC